The following is an entry in ClinVar:

NM_001350451.2(RBFOX3):c.517G>A (p.Ala173Thr)

Gene: RBFOX3 (RNA binding fox-1 homolog 3; minus strand). Cytogenetic location: 17q25.3.
Variant type: single nucleotide variant.
Coding change: c.517G>A on transcript NM_001350451.2 (MANE Select); coding-DNA position 517, G replaced by A.
Protein change: p.Ala173Thr; replaces alanine 173 with threonine.
Molecular consequence: missense variant.
Genome position (GRCh38, 1-based): chr17:79,101,635, C>T on the plus strand (G>A on the coding strand, the complement: RBFOX3 is on the minus strand). VCF-style: chr17-79101635-C-T. GRCh37 (hg19) VCF-style: chr17-77097717-C-T.
Other names: c.517G>A, p.Ala173Thr (NM_001082575.3, NM_001350453.2, NM_001385804.1 and 34 more transcripts); c.514G>A, p.Ala172Thr (NM_001385806.1, NM_001385822.1, NM_001385823.1 and 4 more transcripts); c.424G>A, p.Ala142Thr (NM_001385824.1); c.370G>A, p.Ala124Thr (NM_001385847.1); short protein forms A124T, A172T, A142T, A173T.
Identifiers: ClinVar variation 4746695 (VCV004746695.1).

ClinVar aggregate classification (germline): Uncertain significance (1 of 4 stars; one submission).

Conditions:
Idiopathic generalized epilepsy. Also called: Generalised epilepsy; EIG. Identifiers: MedGen C0270850, MONDO:0005579, OMIM 600669.

Submission:

Labcorp Genetics (formerly Invitae), Labcorp
Classification: Uncertain significance for Idiopathic generalized epilepsy. Last evaluated: 2025-12-01. Review status: criteria provided, single submitter. Criteria: Invitae Variant Classification Sherloc (09022015). Collection method: clinical testing. Allele origin: germline.
Comment: This sequence change replaces alanine, which is neutral and non-polar, with threonine, which is neutral and polar, at codon 173 of the RBFOX3 protein (p.Ala173Thr). This variant is not present in population databases (gnomAD no frequency). This variant has not been reported in the literature in individuals affected with RBFOX3-related conditions. Invitae Evidence Modeling of protein sequence and biophysical properties (such as structural, functional, and spatial information, amino acid conservation, physicochemical variation, residue mobility, and thermodynamic stability) indicates that this missense variant is expected to disrupt RBFOX3 protein function with a positive predictive value of 80%. In summary, the available evidence is currently insufficient to determine the role of this variant in disease. Therefore, it has been classified as a Variant of Uncertain Significance.